The following is an entry in ClinVar:

ClinVar aggregate classification (germline): Uncertain significance (1 of 4 stars; one submission).

Conditions:
Hypertrophic cardiomyopathy. Also called: HYPERTROPHIC MYOCARDIOPATHY. Identifiers: Orphanet 217569, MedGen C0007194, MeSH D002312, MONDO:0005045, HP:0001639.

Submission:

Labcorp Genetics (formerly Invitae), Labcorp
Classification: Uncertain significance for Hypertrophic cardiomyopathy. Last evaluated: 2022-03-25. Review status: criteria provided, single submitter. Criteria: Invitae Variant Classification Sherloc (09022015). Collection method: clinical testing. Allele origin: germline.
Comment: In summary, the available evidence is currently insufficient to determine the role of this variant in disease. Therefore, it has been classified as a Variant of Uncertain Significance. This variant has not been reported in the literature in individuals affected with MYL3-related conditions. This variant is present in population databases (rs748060568, gnomAD 0.0009%). This sequence change creates a premature translational stop signal (p.Ala24Hisfs*46) in the MYL3 gene. It is expected to result in an absent or disrupted protein product. However, the current clinical and genetic evidence is not sufficient to establish whether loss-of-function variants in MYL3 cause disease.

NM_000258.3(MYL3):c.69del (p.Ala24fs)

Gene: MYL3 (myosin light chain 3; minus strand). Cytogenetic location: 3p21.31.
Variant type: Deletion.
Coding change: c.69del on transcript NM_000258.3 (MANE Select); coding-DNA position 69, one base deleted (C; older notation c.69delC).
Protein change: p.Ala24fs; shifts the reading frame from alanine 24.
Molecular consequence: frameshift variant.
Genome position (GRCh38, 1-based): chr3:46,863,322, G deleted on the plus strand (C on the coding strand, the reverse complement: MYL3 is on the minus strand); the first of 3 consecutive G bases (chr3:46,863,322-46,863,324); deleting any one gives the same sequence. VCF-style (leftmost placement, unchanged base first): chr3-46863321-CG-C. GRCh37 (hg19) VCF-style: chr3-46904811-CG-C.
Other names: c.67delC, p.Ala24Hisfs (NM_001406937.1, NM_001406938.1, NM_001406939.1); short protein forms A24fs.
Identifiers: ClinVar variation 2116680 (VCV002116680.4), dbSNP rs748060568, ClinGen allele CA045084.